The following is an entry in ClinVar:

NM_005591.3:c.14_15insALU

Gene: MRE11 (MRE11 double strand break repair nuclease; minus strand).
Variant type: Insertion.
Identifiers: ClinVar variation 1799890 (VCV001799890.2).

ClinVar aggregate classification (germline): Likely pathogenic (1 of 4 stars; one submission).

Conditions:
Hereditary cancer-predisposing syndrome. Also called: Neoplastic Syndromes, Hereditary; Tumor predisposition; Hereditary Cancer Syndrome; Hereditary neoplastic syndrome. Identifiers: Orphanet 140162, MedGen C0027672, MeSH D009386, MONDO:0015356.

Submission:

Ambry Genetics
Classification: Likely pathogenic for Hereditary cancer-predisposing syndrome. Last evaluated: 2021-04-21. Review status: criteria provided, single submitter. Criteria: Ambry Variant Classification Scheme 2023. Collection method: clinical testing. Allele origin: germline.
Comment: The c.14_15insAlu likely pathogenic variant results from the insertion of an Alu element between nucleotides 14 and 15 in coding exon 1 of the MRE11A gene. Mobile element insertions contribute to pathogenicity by either disrupting the coding sequence or inducing aberrant splicing (Belancio VP et al. Semin. Cancer Biol. 2010 Aug;20:200-10; Deininger P et al. Genome Biol. 2011 Dec;12:236; van der Klift HM. Hum Mutat. 2012 Jul;33(7):1051-5). Based on the majority of available evidence to date, this variant is likely to be pathogenic.